The following is an entry in ClinVar:

NM_030632.3(ASXL3):c.6110del (p.Pro2037fs)

Gene: ASXL3 (ASXL transcriptional regulator 3; plus strand). Cytogenetic location: 18q12.1.
Variant type: Deletion.
Coding change: c.6110del on transcript NM_030632.3 (MANE Select); coding-DNA position 6110, one base deleted (C; older notation c.6110delC).
Protein change: p.Pro2037fs; shifts the reading frame from proline 2037.
Molecular consequence: frameshift variant.
Genome position (GRCh38, 1-based): chr18:33,745,958, C deleted; the last of 8 consecutive C bases (chr18:33,745,951-33,745,958); deleting any one gives the same sequence. VCF-style (leftmost placement, unchanged base first): chr18-33745950-TC-T. GRCh37 (hg19) VCF-style: chr18-31325914-TC-T.
Other names: c.6110delC (NM_030632.1); c.6110del (NM_030632.1); short protein forms P2037fs.
Identifiers: ClinVar variation 817856 (VCV000817856.43), dbSNP rs747712363, ClinGen allele CA297794770.

ClinVar aggregate classification (germline): Conflicting classifications of pathogenicity. Review status: criteria provided, conflicting classifications (1 of 4 stars). 2 submissions from 2 submitters: Likely pathogenic (1); Uncertain significance (1). Last evaluated 2026-08-05.

Submissions (2):

GeneDx
Classification: Likely pathogenic. Last evaluated: 2026-08-05. Review status: criteria provided, single submitter. Criteria: GeneDx Variant Classification Process June 2021. Collection method: clinical testing. Allele origin: germline.
Comment: Identified in a patient with autism spectrum disorder in published literature; however detailed clinical information was not available (PMID: 38958063); Frameshift variant predicted to result in abnormal protein length as the last 212 amino acid(s) are replaced with 42 different amino acid(s), and other similar variants have been reported in HGMD; Not observed at significant frequency in large population cohorts (gnomAD); This variant is associated with the following publications: (PMID: 38958063)

CeGaT Center for Human Genetics Tuebingen
Classification: Uncertain significance. Last evaluated: 2020-11-01. Review status: criteria provided, single submitter. Criteria: CeGaT Center For Human Genetics Tuebingen Variant Classification Criteria Version 2. Collection method: clinical testing. Allele origin: germline. Affected: yes. Observed: 2 variant alleles.